The following is an entry in ClinVar:

ClinVar aggregate classification (germline): Uncertain significance (1 of 4 stars; one submission).

gnomAD v4.1: 1 of 1,614,108 alleles (0.000062%); highest among the groups gnomAD compares: East Asian, 0.0022%; no homozygotes.

Submission:

Athena Diagnostics
Classification: Uncertain significance. Last evaluated: 2024-05-07. Review status: criteria provided, single submitter. Criteria: Athena Diagnostics Criteria. Collection method: clinical testing. Allele origin: unknown.
Comment: Available data are insufficient to determine the clinical significance of the variant at this time. The frequency of this variant in the general population is uninformative in assessment of its pathogenicity. Polyphen and MutationTaster yielded discordant predictions regarding whether this amino acid change is damaging to the protein. The variant is located in a region that is considered important for protein function and/or structure.

Literature cited by the submitters: PubMed 31498910.

NM_000458.4(HNF1B):c.630T>G (p.Ser210Arg)

Genes: HNF1B (HNF1 homeobox B; minus strand), LOC126862549 (BRD4-independent group 4 enhancer GRCh37_chr17:36093401-36094600; plus strand). Cytogenetic location: 17q12.
Variant type: single nucleotide variant.
Coding change: c.630T>G on transcript NM_000458.4 (MANE Select); coding-DNA position 630, T replaced by G.
Protein change: p.Ser210Arg; replaces serine 210 with arginine.
Molecular consequence: missense variant.
Genome position (GRCh38, 1-based): chr17:37,733,736, A>C on the plus strand (T>G on the coding strand, the complement: HNF1B is on the minus strand). VCF-style: chr17-37733736-A-C. GRCh37 (hg19) VCF-style: chr17-36093729-A-C.
Other names: c.552T>G, p.Ser184Arg (NM_001165923.4, NM_001304286.2); c.630T>G, p.Ser210Arg (NM_001411100.1); short protein forms S210R, S184R.
Identifiers: ClinVar variation 3571821 (VCV003571821.1).